The following is an entry in ClinVar:

NM_031307.4(PUS3):c.841T>C (p.Cys281Arg)

Genes: HYLS1 (HYLS1 centriolar and ciliogenesis associated; plus strand), PUS3 (pseudouridine synthase 3; minus strand). Cytogenetic location: 11q24.2.
Variant type: single nucleotide variant.
Coding change: c.841T>C on transcript NM_031307.4 (MANE Select); coding-DNA position 841, T replaced by C.
Protein change: p.Cys281Arg; replaces cysteine 281 with arginine.
Molecular consequence: missense variant. On other transcripts: intron variant (5).
Genome position (GRCh38, 1-based): chr11:125,895,327, A>G on the plus strand (T>C on the coding strand, the complement: PUS3 is on the minus strand). VCF-style: chr11-125895327-A-G. GRCh37 (hg19) VCF-style: chr11-125765222-A-G.
Other names: c.-26+3855A>G (NM_001134793.2); c.-23+3855A>G (NM_001424364.1); c.-25-4017A>G (NM_001377269.1); c.-22-4020A>G (NM_001377270.1); c.217T>C, p.Cys73Arg (NM_001271985.2); c.-80-3777A>G (NM_145014.3); short protein forms C281R, C73R.
Identifiers: ClinVar variation 1949267 (VCV001949267.5), dbSNP rs768901391, ClinGen allele CA6350438.

ClinVar aggregate classification (germline): Uncertain significance (1 of 4 stars; one submission).

Allele frequency attached by ClinVar (database versions not stated): ExAC 0.00001.
gnomAD v4.1: 3 of 1,614,164 alleles (0.00019%); highest among the groups gnomAD compares: Non-Finnish European, 0.00025%; no homozygotes.

Submission:

Labcorp Genetics (formerly Invitae), Labcorp
Classification: Uncertain significance. Last evaluated: 2023-08-10. Review status: criteria provided, single submitter. Criteria: Invitae Variant Classification Sherloc (09022015). Collection method: clinical testing. Allele origin: germline.
Comment: In summary, the available evidence is currently insufficient to determine the role of this variant in disease. Therefore, it has been classified as a Variant of Uncertain Significance. Advanced modeling of protein sequence and biophysical properties (such as structural, functional, and spatial information, amino acid conservation, physicochemical variation, residue mobility, and thermodynamic stability) performed at Invitae indicates that this missense variant is expected to disrupt PUS3 protein function. ClinVar contains an entry for this variant (Variation ID: 1949267). This variant has not been reported in the literature in individuals affected with PUS3-related conditions. This variant is present in population databases (rs768901391, gnomAD 0.003%). This sequence change replaces cysteine, which is neutral and slightly polar, with arginine, which is basic and polar, at codon 281 of the PUS3 protein (p.Cys281Arg).